The following is an entry in ClinVar:

NM_000051.4(ATM):c.52G>T (p.Asp18Tyr)

Gene: ATM (ATM serine/threonine kinase; plus strand). Cytogenetic location: 11q22.3.
Variant type: single nucleotide variant.
Coding change: c.52G>T on transcript NM_000051.4 (MANE Select); coding-DNA position 52, G replaced by T.
Protein change: p.Asp18Tyr; replaces aspartic acid 18 with tyrosine.
Molecular consequence: missense variant.
Genome position (GRCh38, 1-based): chr11:108,227,676, G>T. VCF-style: chr11-108227676-G-T. GRCh37 (hg19) VCF-style: chr11-108098403-G-T.
Other names: c.52G>T, p.Asp18Tyr (NM_001351834.2, NM_001351835.2, NM_001351836.2); short protein forms D18Y.
Identifiers: ClinVar variation 2850037 (VCV002850037.3), dbSNP rs2078809121, ClinGen allele CA382519237.

ClinVar aggregate classification (germline): Uncertain significance (1 of 4 stars; one submission).

Conditions:
Ataxia-telangiectasia syndrome (AT). Also called: LOUIS-BAR SYNDROME; Cerebello-oculocutaneous telangiectasia; Immunodeficiency with ataxia telangiectasia; Ataxia telangiectasia (A-T); ATAXIA-TELANGIECTASIA, COMPLEMENTATION GROUP A; ATAXIA-TELANGIECTASIA, FRESNO VARIANT. Identifiers: Orphanet 100, MedGen C0004135, MONDO:0008840, OMIM 208900.

Submission:

Labcorp Genetics (formerly Invitae), Labcorp
Classification: Uncertain significance for Ataxia-telangiectasia syndrome. Last evaluated: 2023-05-19. Review status: criteria provided, single submitter. Criteria: Invitae Variant Classification Sherloc (09022015). Collection method: clinical testing. Allele origin: germline.
Comment: In summary, the available evidence is currently insufficient to determine the role of this variant in disease. Therefore, it has been classified as a Variant of Uncertain Significance. Advanced modeling of protein sequence and biophysical properties (such as structural, functional, and spatial information, amino acid conservation, physicochemical variation, residue mobility, and thermodynamic stability) has been performed at Invitae for this missense variant, however the output from this modeling did not meet the statistical confidence thresholds required to predict the impact of this variant on ATM protein function. This variant has not been reported in the literature in individuals affected with ATM-related conditions. This variant is not present in population databases (gnomAD no frequency). This sequence change replaces aspartic acid, which is acidic and polar, with tyrosine, which is neutral and polar, at codon 18 of the ATM protein (p.Asp18Tyr).